The following is an entry in ClinVar:

NM_003482.4(KMT2D):c.7675C>T (p.Pro2559Ser)

Gene: KMT2D (lysine methyltransferase 2D; minus strand). Cytogenetic location: 12q13.12.
Variant type: single nucleotide variant.
Coding change: c.7675C>T on transcript NM_003482.4 (MANE Select); coding-DNA position 7675, C replaced by T.
Protein change: p.Pro2559Ser; replaces proline 2559 with serine.
Molecular consequence: missense variant.
Genome position (GRCh38, 1-based): chr12:49,040,095, G>A on the plus strand (C>T on the coding strand, the complement: KMT2D is on the minus strand). VCF-style: chr12-49040095-G-A. GRCh37 (hg19) VCF-style: chr12-49433878-G-A.
Other names: short protein forms P2559S.
Identifiers: ClinVar variation 1719150 (VCV001719150.5), dbSNP rs1943431995, ClinGen allele CA384747195.
Genomic context (GRCh38, chr12:49,040,095, plus strand): 5'-TTGTGCTTTGAGGCTTGCCCAAGGTGGGGCCGGGCCCAAAATGGCTGTTGATCCCATGGG[G>A]TGGCGGGAGACCAGGCTGAGGGACAGGGGGCTTTAGGGAAGGCTCCCCTACTGCCTGAGG-3'
Protein context (NP_003473.3, residues 2549-2569): PPVPQPGLPP[Pro2559Ser]HGINSHFGPG

ClinVar aggregate classification (germline): Uncertain significance (1 of 4 stars; one submission).

Conditions:
Kabuki syndrome. Also called: Kabuki make-up syndrome; NIIKAWA-KUROKI SYNDROME. Identifiers: Orphanet 2322, MedGen C0796004, MONDO:0016512.

Allele frequency attached by ClinVar (database versions not stated): TOPMed below 0.00001; gnomAD 0.00001.
gnomAD v4.1: 1 of 1,613,830 alleles (0.000062%); highest among the groups gnomAD compares: African/African-American, 0.0013%; no homozygotes.

Submission:

Labcorp Genetics (formerly Invitae), Labcorp
Classification: Uncertain significance for Kabuki syndrome. Last evaluated: 2022-09-22. Review status: criteria provided, single submitter. Criteria: Invitae Variant Classification Sherloc (09022015). Collection method: clinical testing. Allele origin: germline.
Comment: Advanced modeling of protein sequence and biophysical properties (such as structural, functional, and spatial information, amino acid conservation, physicochemical variation, residue mobility, and thermodynamic stability) performed at Invitae indicates that this missense variant is not expected to disrupt KMT2D protein function. This variant has not been reported in the literature in individuals affected with KMT2D-related conditions. This variant is not present in population databases (gnomAD no frequency). This sequence change replaces proline, which is neutral and non-polar, with serine, which is neutral and polar, at codon 2559 of the KMT2D protein (p.Pro2559Ser). In summary, the available evidence is currently insufficient to determine the role of this variant in disease. Therefore, it has been classified as a Variant of Uncertain Significance.